The following continues an entry in ClinVar:

NM_000257.4(MYH7):c.2608C>T (p.Arg870Cys)

ClinVar aggregate classification (germline): Likely pathogenic. Likely pathogenic (1).

Submissions 18 to 20 of 20:

PreventionGenetics, part of Exact Sciences
Classification: Likely pathogenic for MYH7-related condition. Last evaluated: 2024-09-24. Review status: no assertion criteria provided. Collection method: clinical testing. Allele origin: germline. Not counted in ClinVar's aggregate classification.
Comment: The MYH7 c.2608C>T variant is predicted to result in the amino acid substitution p.Arg870Cys. This variant was reported in individuals with hypertrophic cardiomyopathy (for example, Kim et al. 2020. PubMed ID: 32492895; Mak et al. 2018. PubMed ID: 30022097; Inagaki et al. 2018. PubMed ID: 30206291; Andreasen et al. 2013. PubMed ID: 23299917). This variant is interpreted as pathogenic or likely pathogenic in ClinVar. This variant is reported in 0.0099% of alleles in individuals of Ashkenazi Jewish descent in gnomAD. This variant is interpreted as likely pathogenic.

Equipe Genetique des Anomalies du Developpement, Université de Bourgogne
Classification: Likely pathogenic for Hypertrophic cardiomyopathy 1. Last evaluated: 2020-09-22. Review status: no assertion criteria provided. Collection method: clinical testing. Allele origin: unknown. Affected: no. Not counted in ClinVar's aggregate classification.

CSER _CC_NCGL, University of Washington
Classification: Uncertain significance for Cardiomyopathy, hypertrophic. Last evaluated: 2014-06-01. Review status: no assertion criteria provided. Collection method: research. Allele origin: germline. Inheritance: Autosomal dominant inheritance. Study: ESP 6500 variant annotation. Not counted in ClinVar's aggregate classification.
Comment: Variants classified for the Actionable exomic incidental findings in 6503 participants: challenges of variant classification manuscript

Literature cited by the submitters: PubMed 29300372 (cited by 4 submitters); PubMed 10862102 (cited by 7 submitters); PubMed 12975413 (cited by 7 submitters); PubMed 22112859 (cited by 5 submitters); PubMed 27247418 (cited by Ambry Genetics and Laboratory for Molecular Medicine, Mass General Brigham Personalized Medicine); PubMed 27532257 (cited by 5 submitters); PubMed 29907873 (cited by 3 submitters); PubMed 30022097 (cited by 5 submitters); PubMed 32492895 (cited by Ambry Genetics and Color Diagnostics, LLC DBA Color Health); PubMed 24621997 (cited by 3 submitters); PubMed 25132132 (cited by 3 submitters); PubMed 20975235 (cited by Labcorp Genetics (formerly Invitae), Labcorp and Color Diagnostics, LLC DBA Color Health); PubMed 28771489 (cited by Labcorp Genetics (formerly Invitae), Labcorp and Color Diagnostics, LLC DBA Color Health); PubMed 30206291 (cited by 3 submitters); PubMed 7796500 (cited by Labcorp Genetics (formerly Invitae), Labcorp); PubMed 9172070 (cited by Labcorp Genetics (formerly Invitae), Labcorp); PubMed 12974739 (cited by Labcorp Genetics (formerly Invitae), Labcorp); PubMed 17192269 (cited by Labcorp Genetics (formerly Invitae), Labcorp); PubMed 17703256 (cited by Labcorp Genetics (formerly Invitae), Labcorp); PubMed 33407484 (cited by Color Diagnostics, LLC DBA Color Health); PubMed 33495596 (cited by Color Diagnostics, LLC DBA Color Health); PubMed 33495597 (cited by Color Diagnostics, LLC DBA Color Health); PubMed 36005429 (cited by Color Diagnostics, LLC DBA Color Health); PubMed 39237976 (cited by Color Diagnostics, LLC DBA Color Health); PubMed 32931854 (cited by Johns Hopkins Genomics, Johns Hopkins University); PubMed 34949102 (cited by Johns Hopkins Genomics, Johns Hopkins University); PubMed 25637381 (cited by Laboratory for Molecular Medicine, Mass General Brigham Personalized Medicine); PubMed 23299917 (cited by Laboratory for Molecular Medicine, Mass General Brigham Personalized Medicine and Women's Health and Genetics/Laboratory Corporation of America, LabCorp); PubMed 30217213 (cited by Laboratory for Molecular Medicine, Mass General Brigham Personalized Medicine); PubMed 20075948 (cited by Women's Health and Genetics/Laboratory Corporation of America, LabCorp); PubMed 20298698 (cited by Women's Health and Genetics/Laboratory Corporation of America, LabCorp); PubMed 19149795 (cited by Women's Health and Genetics/Laboratory Corporation of America, LabCorp).